The following is an entry in ClinVar:

NM_022773.4(LMF1):c.665G>C (p.Gly222Ala)

Gene: LMF1 (lipase maturation factor 1; minus strand). Cytogenetic location: 16p13.3.
Variant type: single nucleotide variant.
Coding change: c.665G>C on transcript NM_022773.4 (MANE Select); coding-DNA position 665, G replaced by C.
Protein change: p.Gly222Ala; replaces glycine 222 with alanine.
Molecular consequence: missense variant. On other transcripts: non-coding transcript variant (1).
Genome position (GRCh38, 1-based): chr16:893,071, C>G on the plus strand (G>C on the coding strand, the complement: LMF1 is on the minus strand). VCF-style: chr16-893071-C-G. GRCh37 (hg19) VCF-style: chr16-943071-C-G.
Other names: c.14G>C, p.Gly5Ala (NM_001352017.2, NM_001352021.2); c.266G>C, p.Gly89Ala (NM_001352018.2); c.338G>C, p.Gly113Ala (NM_001352019.2); c.665G>C, p.Gly222Ala (NM_001352020.1); short protein forms G222A, G5A, G113A, G89A.
Identifiers: ClinVar variation 3119267 (VCV003119267.3), dbSNP rs769532338, ClinGen allele CA7797415.
Genomic context (GRCh38, chr16:893,071, plus strand): 5'-TAGTGGAAGTCCATGCAGGTGAGGTCTCGCCAGCACCGGTCCCCCCGGATCTTGATCAGG[C>G]CCTGCAAGGAAGAGAGCAGAGGGAGAGTCAGTCACAGGGGCTGGGGATGCGGCGGCCCCG-3'
Protein context (NP_073610.2, residues 212-232): WLIFRIMLGA[Gly222Ala]LIKIRGDRCW

ClinVar aggregate classification (germline): Uncertain significance. Review status: criteria provided, multiple submitters, no conflicts (2 of 4 stars). 2 submissions from 2 submitters: Uncertain significance (2). Last evaluated 2025-05-08.

Conditions:
LMF1-related disorder. Also called: LMF1-related condition.
Cardiovascular phenotype. Identifiers: MedGen CN230736.

Allele frequency attached by ClinVar (database versions not stated): TOPMed below 0.00001; gnomAD 0.00001; ExAC 0.00005.
gnomAD v4.1: 20 of 1,553,840 alleles (0.0013%); highest among the groups gnomAD compares: Non-Finnish European, 0.0014%; no homozygotes.

Submissions (2):

Ambry Genetics
Classification: Uncertain significance for Cardiovascular phenotype. Last evaluated: 2025-05-08. Review status: criteria provided, single submitter. Criteria: Ambry Variant Classification Scheme 2023. Collection method: clinical testing. Allele origin: germline.
Comment: The p.G222A variant (also known as c.665G>C), located in coding exon 5 of the LMF1 gene, results from a G to C substitution at nucleotide position 665. The glycine at codon 222 is replaced by alanine, an amino acid with similar properties. This amino acid position is highly conserved in available vertebrate species. In addition, this alteration is predicted to be deleterious by in silico analysis. Based on the available evidence, the clinical significance of this variant remains unclear.

PreventionGenetics, part of Exact Sciences
Classification: Uncertain significance for LMF1-related condition. Last evaluated: 2025-04-03. Review status: criteria provided, single submitter. Criteria: ACMG Guidelines, 2015. Collection method: clinical testing. Allele origin: germline.
Comment: The LMF1 c.665G>C variant is predicted to result in the amino acid substitution p.Gly222Ala. This variant has been reported in a cohort study with hypertriglyceridemia (Table S2, Deshotels et al. 2022. PubMed ID: 36325899). This variant is reported in 0.0047% of alleles in individuals of European (Non-Finnish) descent in gnomAD. At this time, the clinical significance of this variant is uncertain due to the absence of conclusive functional and genetic evidence.